The following is an entry in ClinVar:

NM_006005.3(WFS1):c.2582T>G (p.Val861Gly)

Gene: WFS1 (wolframin ER transmembrane glycoprotein; plus strand). Cytogenetic location: 4p16.1.
Variant type: single nucleotide variant.
Coding change: c.2582T>G on transcript NM_006005.3 (MANE Select); coding-DNA position 2582, T replaced by G.
Protein change: p.Val861Gly; replaces valine 861 with glycine.
Molecular consequence: missense variant.
Genome position (GRCh38, 1-based): chr4:6,302,377, T>G. VCF-style: chr4-6302377-T-G. GRCh37 (hg19) VCF-style: chr4-6304104-T-G.
Other names: c.2582T>G, p.Val861Gly (NM_001145853.1); short protein forms V861G.
Identifiers: ClinVar variation 5001402 (VCV005001402.1), dbSNP rs863224262.

ClinVar aggregate classification (germline): Uncertain significance (1 of 4 stars; one submission).

Conditions:
WFS1-related disorder. Identifiers: MedGen CN379391, MONDO:0700293.

Submission:

PreventionGenetics, part of Exact Sciences
Classification: Uncertain significance for WFS1-related condition. Last evaluated: 2025-08-25. Review status: criteria provided, single submitter. Criteria: ACMG Guidelines, 2015. Collection method: clinical testing. Allele origin: germline.
Comment: The WFS1 c.2582T>G variant is predicted to result in the amino acid substitution p.Val861Gly. This variant was reported in an individual with abnormality of connective tissue (Table S3, Retterer et al. 2016. PubMed ID: 26633542) and as de novo in a patient with developmental disorder and autism (Patient 8895; Table S1, Kaplanis et al. 2020. PubMed ID: 33057194; Supplementary Data 3, Zhou et al. 2022. PubMed ID: 35982159). This variant has not been reported in a large population database (gnomAD), indicating this variant is rare. Although we suspect that this variant may be pathogenic, at this time, the clinical significance of this variant is uncertain due to the absence of conclusive functional and genetic evidence.